The following is an entry in ClinVar:

NM_006796.3(AFG3L2):c.1866G>A (p.Leu622=)

Gene: AFG3L2 (AFG3 like matrix AAA peptidase subunit 2; minus strand). Cytogenetic location: 18p11.21.
Variant type: single nucleotide variant.
Coding change: c.1866G>A on transcript NM_006796.3 (MANE Select); coding-DNA position 1866, G replaced by A.
Protein change: p.Leu622=; no amino-acid change (leucine 622 retained).
Molecular consequence: synonymous variant.
Genome position (GRCh38, 1-based): chr18:12,340,315, C>T on the plus strand (G>A on the coding strand, the complement: AFG3L2 is on the minus strand). VCF-style: chr18-12340315-C-T. GRCh37 (hg19) VCF-style: chr18-12340314-C-T.
Identifiers: ClinVar variation 446808 (VCV000446808.9), dbSNP rs777264204, ClinGen allele CA8896361.

ClinVar aggregate classification (germline): Conflicting classifications of pathogenicity. Review status: criteria provided, conflicting classifications (1 of 4 stars). 3 submissions from 3 submitters: Uncertain significance (1); Benign (1); Likely benign (1). Last evaluated 2025-10-22.

Allele frequency attached by ClinVar (database versions not stated): gnomAD exomes 0.00002 and 0.00007; ExAC 0.00004; gnomAD 0.00007 and 0.00009; TOPMed 0.00012.
gnomAD v4.1: 50 of 1,613,916 alleles (0.0031%); highest among the groups gnomAD compares: Admixed American, 0.052%; no homozygotes.

Submissions (3):

Labcorp Genetics (formerly Invitae), Labcorp
Classification: Likely benign. Last evaluated: 2025-10-22. Review status: criteria provided, single submitter. Criteria: Invitae Variant Classification Sherloc (09022015). Collection method: clinical testing. Allele origin: germline.

GeneDx
Classification: Uncertain significance. Last evaluated: 2023-11-21. Review status: criteria provided, single submitter. Criteria: GeneDx Variant Classification Process June 2021. Collection method: clinical testing. Allele origin: germline. Affected: yes.
Comment: Has not been previously published as pathogenic or benign to our knowledge; In silico analysis suggests this variant may impact gene splicing. In the absence of RNA/functional studies, the actual effect of this sequence change is unknown

Athena Diagnostics
Classification: Benign. Last evaluated: 2017-03-13. Review status: criteria provided, single submitter. Criteria: Athena Diagnostics Criteria. Collection method: clinical testing. Allele origin: germline.